The following is an entry in ClinVar:

ClinVar aggregate classification (germline): Pathogenic/Likely pathogenic. Review status: criteria provided, multiple submitters, no conflicts (2 of 4 stars). 6 submissions from 6 submitters: Pathogenic (3); Likely pathogenic (2). 1 of the submissions does not count toward it. Last evaluated 2025-02-25.

Conditions:
EVC-related disorder. Also called: EVC-related condition; EVC-related disorders.
Curry-Hall syndrome (WAD). Also called: WEYERS ACRODENTAL DYSOSTOSIS. Identifiers: Orphanet 952, MedGen C0457013, MONDO:0008673, OMIM 193530.
Ellis-van Creveld syndrome (EVC). Also called: Chondroectodermal dysplasia; MESOECTODERMAL DYSPLASIA. Identifiers: Orphanet 289, MedGen C0013903, MONDO:0009162, OMIM 225500.

Allele frequency attached by ClinVar (database versions not stated): gnomAD 0.00001; gnomAD exomes 0.00001 and 0.00002; TOPMed 0.00001.

Submissions (6):

Natera, Inc.
Classification: Likely pathogenic for Ellis-van Creveld syndrome. Last evaluated: 2025-02-25. Review status: criteria provided, single submitter. Criteria: Natera Variant Classification Schema (03/2026). Collection method: clinical testing. Allele origin: germline.
Comment: The c.617G>A variant in EVC is a missense variant predicted to cause substitution of serine to asparagine at amino acid 206. This variant is rare in the general population with a frequency below the threshold expected for the associated phenotype(s). This variant has been observed in one or more individuals affected with the associated recessive disease, as either homozygous or compound heterozygous with a second variant (PMID: 23220543). Additionally, this variant has been observed to segregate in affected family members (PMID: 19744229). Computational prediction algorithms indicate this variant is likely to affect gene or protein function. Given the available evidence, this variant is classified as Likely Pathogenic.

Fulgent Genetics
Classification: Likely pathogenic for Curry-Hall syndrome; Ellis-van Creveld syndrome. Last evaluated: 2024-04-18. Review status: criteria provided, single submitter. Criteria: ACMG Guidelines, 2015. Collection method: clinical testing. Allele origin: germline.

Labcorp Genetics (formerly Invitae), Labcorp
Classification: Pathogenic for Curry-Hall syndrome; Ellis-van Creveld syndrome. Last evaluated: 2023-10-23. Review status: criteria provided, single submitter. Criteria: Invitae Variant Classification Sherloc (09022015). Collection method: clinical testing. Allele origin: germline.
Comment: This sequence change replaces serine, which is neutral and polar, with asparagine, which is neutral and polar, at codon 206 of the EVC protein (p.Ser206Asn). This variant also falls at the last nucleotide of exon 4, which is part of the consensus splice site for this exon. The frequency data for this variant in the population databases is considered unreliable, as metrics indicate poor data quality at this position in the gnomAD database. This missense change has been observed in individual(s) with EVC-related conditions (PMID: 19744229, 23220543; Invitae). In at least one individual the data is consistent with being in trans (on the opposite chromosome) from a pathogenic variant. It has also been observed to segregate with disease in related individuals. ClinVar contains an entry for this variant (Variation ID: 456000). An algorithm developed to predict the effect of missense changes on protein structure and function (PolyPhen-2) suggests that this variant is likely to be disruptive. Variants that disrupt the consensus splice site are a relatively common cause of aberrant splicing (PMID: 17576681, 9536098). Algorithms developed to predict the effect of sequence changes on RNA splicing suggest that this variant may disrupt the consensus splice site. For these reasons, this variant has been classified as Pathogenic.

Women's Health and Genetics/Laboratory Corporation of America, LabCorp
Classification: Pathogenic for Ellis-van Creveld syndrome. Last evaluated: 2023-04-28. Review status: criteria provided, single submitter. Criteria: LabCorp Variant Classification Summary - May 2015. Collection method: clinical testing. Allele origin: germline.
Comment: Variant summary: EVC c.617G>A (p.Ser206Asn) results in a conservative amino acid change in the encoded protein sequence. Three of five in-silico tools predict a damaging effect of the variant on protein function. Several computational tools predict a significant impact on normal splicing: Four predict the variant weakens a 5' donor site. However, these predictions have yet to be confirmed by functional studies. The variant allele was found at a frequency of 8.1e-06 in 247702 control chromosomes (gnomAD). c.617G>A has been reported in the literature in multiple individuals affected with Ellis-van Creveld syndrome (example: DAsdia_2013, UmmeKalsoom_2010). These data indicate that the variant is very likely to be associated with disease. To our knowledge, no experimental evidence demonstrating an impact on protein function has been reported. The following publications have been ascertained in the context of this evaluation (PMID: 23220543, 19744229). Three clinical diagnostic laboratories have submitted clinical-significance assessments for this variant to ClinVar after 2014 and classified the variant as VUS (n=1) and pathogenic/likely pathogenic (n=2). Based on the evidence outlined above, the variant was classified as pathogenic.

Blueprint Genetics
Classification: Pathogenic for EVC-related disorders. Last evaluated: 2022-11-17. Review status: criteria provided, single submitter. Criteria: ACMG Guidelines, 2015. Collection method: clinical testing. Allele origin: germline. Affected: yes. Observed: 5 variant alleles.

Counsyl
Classification: Likely pathogenic for Ellis-van Creveld syndrome. Last evaluated: 2018-04-03. Review status: no assertion criteria provided. Collection method: clinical testing. Allele origin: unknown. Not counted in ClinVar's aggregate classification.

Literature cited by the submitters: PubMed 23220543 (cited by 4 submitters); PubMed 19744229 (cited by 4 submitters); PubMed 17576681 (cited by Labcorp Genetics (formerly Invitae), Labcorp); PubMed 9536098 (cited by Labcorp Genetics (formerly Invitae), Labcorp).

NM_153717.3(EVC):c.617G>A (p.Ser206Asn)

Gene: EVC (EvC ciliary complex subunit 1; plus strand). Cytogenetic location: 4p16.2.
Variant type: single nucleotide variant.
Coding change: c.617G>A on transcript NM_153717.3 (MANE Select); coding-DNA position 617, G replaced by A.
Protein change: p.Ser206Asn; replaces serine 206 with asparagine.
Molecular consequence: missense variant.
Genome position (GRCh38, 1-based): chr4:5,731,657, G>A. VCF-style: chr4-5731657-G-A. GRCh37 (hg19) VCF-style: chr4-5733384-G-A.
Other names: c.617G>A, p.Ser206Asn (NM_001306090.2, NM_001306092.2); short protein forms S206N.
Identifiers: ClinVar variation 456000 (VCV000456000.19), dbSNP rs1017946059, ClinGen allele CA91720320.